The following is an entry in ClinVar:

ClinVar aggregate classification (germline): Uncertain significance. Review status: criteria provided, multiple submitters, no conflicts (2 of 4 stars). 3 submissions from 3 submitters: Uncertain significance (3). Last evaluated 2025-04-09.

Allele frequency attached by ClinVar (database versions not stated): TOPMed 0.00001; ESP Exome Variant Server 0.00008; gnomAD exomes below 0.00001.
gnomAD v4.1: 5 of 1,612,926 alleles (0.00031%); highest among the groups gnomAD compares: Non-Finnish European, 0.00042%; no homozygotes.

Submissions (3):

Ambry Genetics
Classification: Uncertain significance. Last evaluated: 2025-04-09. Review status: criteria provided, single submitter. Criteria: Ambry Variant Classification Scheme 2023. Collection method: clinical testing. Allele origin: germline.
Comment: The p.Y441* variant (also known as c.1323T>G), located in coding exon 10 of the RECQL gene, results from a T to G substitution at nucleotide position 1323. This changes the amino acid from a tyrosine to a stop codon within coding exon 10. This alteration is expected to result in premature protein truncation or nonsense-mediated mRNA decay. However, the evidence for this gene-disease relationship is limited; therefore, the clinical significance of this alteration is unclear.

GeneDx
Classification: Uncertain significance. Last evaluated: 2025-02-12. Review status: criteria provided, single submitter. Criteria: GeneDx Variant Classification Process June 2021. Collection method: clinical testing. Allele origin: germline. Affected: yes.
Comment: Not observed at significant frequency in large population cohorts (gnomAD); Nonsense variant predicted to result in protein truncation or nonsense mediated decay in a gene or region of a gene for which loss of function is not a well-established mechanism of disease; Has not been previously published as pathogenic or benign to our knowledge; Variants in candidate genes are classified as variants of uncertain significance in accordance with ACMG guidelines (PMID: 25741868)

Labcorp Genetics (formerly Invitae), Labcorp
Classification: Uncertain significance. Last evaluated: 2024-08-22. Review status: criteria provided, single submitter. Criteria: Invitae Variant Classification Sherloc (09022015). Collection method: clinical testing. Allele origin: germline.
Comment: This sequence change creates a premature translational stop signal (p.Tyr441*) in the RECQL gene. It is expected to result in an absent or disrupted protein product. However, the current clinical and genetic evidence is not sufficient to establish whether loss-of-function variants in RECQL cause disease. This variant is present in population databases (rs376037221, gnomAD 0.0009%). This variant has not been reported in the literature in individuals affected with RECQL-related conditions. ClinVar contains an entry for this variant (Variation ID: 546006). In summary, the available evidence is currently insufficient to determine the role of this variant in disease. Therefore, it has been classified as a Variant of Uncertain Significance.

NM_002907.4(RECQL):c.1323T>G (p.Tyr441Ter)

Gene: RECQL (RecQ like helicase; minus strand). Cytogenetic location: 12p12.1.
Variant type: single nucleotide variant.
Coding change: c.1323T>G on transcript NM_002907.4 (MANE Select); coding-DNA position 1323, T replaced by G.
Protein change: p.Tyr441Ter; replaces tyrosine 441 with a stop codon.
Molecular consequence: nonsense.
Genome position (GRCh38, 1-based): chr12:21,474,873, A>C on the plus strand (T>G on the coding strand, the complement: RECQL is on the minus strand). VCF-style: chr12-21474873-A-C. GRCh37 (hg19) VCF-style: chr12-21627807-A-C.
Other names: c.1323T>G, p.Tyr441Ter (NM_032941.3); short protein forms Y441*.
Identifiers: ClinVar variation 546006 (VCV000546006.15), dbSNP rs376037221, ClinGen allele CA233568617.
Genomic context (GRCh38, chr12:21,474,873, plus strand): 5'-AAAAGTTATAAAAAGGTATGTGGCTTACTTGCTTATGTTTTGACAGTATGATACCATCTC[A>C]TAAAGCTTCTGCTGTCCCACATTTTCCATCACCACCATTGAACTTATTCTGAATATATCT-3'